The following is an entry in ClinVar:

NM_030782.5(CLPTM1L):c.1611G>A (p.Thr537=)

Gene: CLPTM1L (CLPTM1 like). Cytogenetic location: 5p15.33.
Variant type: single nucleotide variant.
Coding change: c.1611G>A on transcript NM_030782.5 (MANE Select); coding-DNA position 1611, G replaced by A.
Protein change: p.Thr537=; no amino-acid change (threonine 537 retained).
Molecular consequence: synonymous variant.
Genome position (GRCh38, 1-based): chr5:1,318,375, C>T on the plus strand (G>A on the coding strand, the complement: CLPTM1L is on the minus strand). VCF-style: chr5-1318375-C-T. GRCh37 (hg19) VCF-style: chr5-1318490-C-T.
Identifiers: ClinVar variation 3047303 (VCV003047303.2), dbSNP rs372391081, ClinGen allele CA3185043.

ClinVar aggregate classification (germline): Likely benign (0 of 4 stars; one submission).

Conditions:
CLPTM1L-related disorder. Also called: CLPTM1L-related condition.

Allele frequency attached by ClinVar (database versions not stated): TOPMed 0.00004; ExAC 0.00005; gnomAD 0.00007.
gnomAD v4.1: 62 of 1,613,248 alleles (0.0038%); highest among the groups gnomAD compares: East Asian, 0.047%; no homozygotes.

Submission:

PreventionGenetics, part of Exact Sciences
Classification: Likely benign for CLPTM1L-related condition. Last evaluated: 2022-12-22. Review status: no assertion criteria provided. Collection method: clinical testing. Allele origin: germline.
Comment: This variant is classified as likely benign based on ACMG/AMP sequence variant interpretation guidelines (Richards et al. 2015 PMID: 25741868, with internal and published modifications).